The following is an entry in ClinVar:

NM_003900.5(SQSTM1):c.496C>G (p.Leu166Val)

Gene: SQSTM1 (sequestosome 1; plus strand). Cytogenetic location: 5q35.3.
Variant type: single nucleotide variant.
Coding change: c.496C>G on transcript NM_003900.5 (MANE Select); coding-DNA position 496, C replaced by G.
Protein change: p.Leu166Val; replaces leucine 166 with valine.
Molecular consequence: missense variant.
Genome position (GRCh38, 1-based): chr5:179,824,052, C>G. VCF-style: chr5-179824052-C-G. GRCh37 (hg19) VCF-style: chr5-179251052-C-G.
Other names: p.Leu166Val; c.244C>G, p.Leu82Val (NM_001142298.2, NM_001142299.2); short protein forms L166V, L82V.
Identifiers: ClinVar variation 3379628 (VCV003379628.1).

ClinVar aggregate classification (germline): Uncertain significance (1 of 4 stars; one submission).

Submission:

Mayo Clinic Laboratories, Mayo Clinic
Classification: Uncertain significance. Last evaluated: 2023-09-18. Review status: criteria provided, single submitter. Criteria: ACMG Guidelines, 2015. Collection method: clinical testing. Allele origin: germline. Observed: 1 variant allele.
Comment: BP4, PM2_moderate